The following is an entry in ClinVar:

NM_000038.6(APC):c.2159T>C (p.Met720Thr)

Gene: APC (APC regulator of Wnt signaling pathway; plus strand). Cytogenetic location: 5q22.2.
Variant type: single nucleotide variant.
Coding change: c.2159T>C on transcript NM_000038.6 (MANE Select); coding-DNA position 2159, T replaced by C.
Protein change: p.Met720Thr; replaces methionine 720 with threonine.
Molecular consequence: missense variant.
Genome position (GRCh38, 1-based): chr5:112,837,753, T>C. VCF-style: chr5-112837753-T-C. GRCh37 (hg19) VCF-style: chr5-112173450-T-C.
Other names: c.2159T>C, p.Met720Thr (NM_001127510.3, NM_001354895.2, NM_001407450.1); c.2105T>C, p.Met702Thr (NM_001127511.3); c.2213T>C, p.Met738Thr (NM_001354896.2, NM_001407447.1, NM_001407448.1 and 1 more transcripts); c.2189T>C, p.Met730Thr (NM_001354897.2); c.2084T>C, p.Met695Thr (NM_001354898.2); c.2075T>C, p.Met692Thr (NM_001354899.2); c.2036T>C, p.Met679Thr (NM_001354900.2); c.1982T>C, p.Met661Thr (NM_001354901.2, NM_001407453.1); and 11 more; short protein forms M560T, M661T, M591T, M619T, M692T, M738T, M336T, M594T.
Identifiers: ClinVar variation 1786855 (VCV001786855.4), dbSNP rs2533401040, ClinGen allele CA16026058.

ClinVar aggregate classification (germline): Uncertain significance. Review status: criteria provided, multiple submitters, no conflicts (2 of 4 stars). 2 submissions from 2 submitters: Uncertain significance (2). Last evaluated 2024-04-29.

Conditions:
Hereditary cancer-predisposing syndrome. Also called: Neoplastic Syndromes, Hereditary; Tumor predisposition; Hereditary Cancer Syndrome; Hereditary neoplastic syndrome. Identifiers: Orphanet 140162, MedGen C0027672, MeSH D009386, MONDO:0015356.
Familial adenomatous polyposis 1 (FAP1). Also called: FAMILIAL ADENOMATOUS POLYPOSIS 1, ATTENUATED; POLYPOSIS, ADENOMATOUS INTESTINAL. Identifiers: MedGen C2713442, MONDO:0021056, OMIM 175100. Disease mechanism: loss of function.

Submissions (2):

Labcorp Genetics (formerly Invitae), Labcorp
Classification: Uncertain significance for Familial adenomatous polyposis 1. Last evaluated: 2024-04-29. Review status: criteria provided, single submitter. Criteria: Invitae Variant Classification Sherloc (09022015). Collection method: clinical testing. Allele origin: germline.
Comment: This sequence change replaces methionine, which is neutral and non-polar, with threonine, which is neutral and polar, at codon 720 of the APC protein (p.Met720Thr). This variant is not present in population databases (gnomAD no frequency). This variant has not been reported in the literature in individuals affected with APC-related conditions. ClinVar contains an entry for this variant (Variation ID: 1786855). Advanced modeling of protein sequence and biophysical properties (such as structural, functional, and spatial information, amino acid conservation, physicochemical variation, residue mobility, and thermodynamic stability) performed at Invitae indicates that this missense variant is not expected to disrupt APC protein function with a negative predictive value of 95%. In summary, the available evidence is currently insufficient to determine the role of this variant in disease. Therefore, it has been classified as a Variant of Uncertain Significance.

Ambry Genetics
Classification: Uncertain significance for Hereditary cancer-predisposing syndrome. Last evaluated: 2021-09-01. Review status: criteria provided, single submitter. Criteria: Ambry Variant Classification Scheme 2023. Collection method: clinical testing. Allele origin: germline.
Comment: The p.M720T variant (also known as c.2159T>C), located in coding exon 15 of the APC gene, results from a T to C substitution at nucleotide position 2159. The methionine at codon 720 is replaced by threonine, an amino acid with similar properties. This amino acid position is highly conserved in available vertebrate species. In addition, in silico predictors for this gene do not accurately predict pathogenicity. Since supporting evidence is limited at this time, the clinical significance of this alteration remains unclear.